The following is an entry in ClinVar:

NM_002047.4(GARS1):c.998A>C (p.Glu333Ala)

Gene: GARS1 (glycyl-tRNA synthetase 1; plus strand). Cytogenetic location: 7p14.3.
Variant type: single nucleotide variant.
Coding change: c.998A>C on transcript NM_002047.4 (MANE Select); coding-DNA position 998, A replaced by C.
Protein change: p.Glu333Ala; replaces glutamic acid 333 with alanine.
Molecular consequence: missense variant.
Genome position (GRCh38, 1-based): chr7:30,612,212, A>C. VCF-style: chr7-30612212-A-C. GRCh37 (hg19) VCF-style: chr7-30651828-A-C.
Other names: c.998A>C (LRG_243t1); c.836A>C, p.Glu279Ala (NM_001316772.1); short protein forms E333A, E279A.
Identifiers: ClinVar variation 423476 (VCV000423476.2), dbSNP rs863224873, ClinGen allele CA16618454.

ClinVar aggregate classification (germline): Likely pathogenic (1 of 4 stars; one submission).

Submission:

GeneDx
Classification: Likely pathogenic. Last evaluated: 2017-02-17. Review status: criteria provided, single submitter. Criteria: GeneDx Variant Classification (06012015). Collection method: clinical testing. Allele origin: germline. Affected: yes.
Comment: A variant that is likely pathogenic has been identified in the GARS gene. The E333A variant has not been published as a pathogenic variant, nor has it been reported as a benign variant to our knowledge. A different amino acid substitution at the same codon (E333D) was previously identified in multiple family members affected with CMT2D (Sun et al., 2015). The E333A variant is not observed in large population cohorts (Lek et al., 2016; 1000 Genomes Consortium et al., 2015; Exome Variant Server). The E333A variant is a non-conservative amino acid substitution, which is likely to impact secondary protein structure as these residues differ in polarity, charge, size and/or other properties. This substitution occurs at a position that is conserved across species. In silico analysis predicts this variant is probably damaging to the protein structure/function. Therefore, this variant is likely pathogenic; however, the possibility that it is benign cannot be excluded.